The following is an entry in ClinVar:

ClinVar aggregate classification (germline): Uncertain significance. Review status: criteria provided, multiple submitters, no conflicts (2 of 4 stars). 3 submissions from 3 submitters: Uncertain significance (3). Last evaluated 2023-12-07.

Conditions:
Inborn genetic diseases. Identifiers: MedGen C0950123, MeSH D030342.
Myopathy, centronuclear, 5 (CNM5). Identifiers: Orphanet 169186, MedGen C4014814, MONDO:0014418, OMIM 615959.

Allele frequency attached by ClinVar (database versions not stated): TOPMed below 0.00001; gnomAD 0.00001.

Submissions (3):

Labcorp Genetics (formerly Invitae), Labcorp
Classification: Uncertain significance. Last evaluated: 2023-12-07. Review status: criteria provided, single submitter. Criteria: Invitae Variant Classification Sherloc (09022015). Collection method: clinical testing. Allele origin: germline.
Comment: This sequence change replaces arginine, which is basic and polar, with tryptophan, which is neutral and slightly polar, at codon 538 of the SPEG protein (p.Arg538Trp). This variant is present in population databases (no rsID available, gnomAD 0.04%). This variant has not been reported in the literature in individuals affected with SPEG-related conditions. ClinVar contains an entry for this variant (Variation ID: 1472771). An algorithm developed to predict the effect of missense changes on protein structure and function (PolyPhen-2) suggests that this variant¬†is likely to be tolerated. In summary, the available evidence is currently insufficient to determine the role of this variant in disease. Therefore, it has been classified as a Variant of Uncertain Significance.

Ambry Genetics
Classification: Uncertain significance for Inborn genetic diseases. Last evaluated: 2023-02-28. Review status: criteria provided, single submitter. Criteria: Ambry Variant Classification Scheme 2023. Collection method: clinical testing. Allele origin: germline.

Revvity Omics, Revvity
Classification: Uncertain significance for Myopathy, centronuclear, 5. Last evaluated: 2022-02-07. Review status: criteria provided, single submitter. Criteria: ACMG Guidelines, 2015. Collection method: clinical testing. Allele origin: germline.

NM_005876.5(SPEG):c.1612C>T (p.Arg538Trp)

Gene: SPEG (striated muscle enriched protein kinase; plus strand). Cytogenetic location: 2q35.
Variant type: single nucleotide variant.
Coding change: c.1612C>T on transcript NM_005876.5 (MANE Select); coding-DNA position 1612, C replaced by T.
Protein change: p.Arg538Trp; replaces arginine 538 with tryptophan.
Molecular consequence: missense variant.
Genome position (GRCh38, 1-based): chr2:219,448,770, C>T. VCF-style: chr2-219448770-C-T. GRCh37 (hg19) VCF-style: chr2-220313492-C-T.
Other names: c.1612C>T (NM_005876.4); short protein forms R538W.
Identifiers: ClinVar variation 1472771 (VCV001472771.9), dbSNP rs1381276826, ClinGen allele CA350722304.